The following is an entry in ClinVar:

ClinVar aggregate classification (germline): Uncertain significance (1 of 4 stars; one submission).

Allele frequency attached by ClinVar (database versions not stated): gnomAD exomes below 0.00001.
gnomAD v4.1: 2 of 1,576,656 alleles (0.00013%); highest among the groups gnomAD compares: South Asian, 0.0012%; no homozygotes.

Submission:

Labcorp Genetics (formerly Invitae), Labcorp
Classification: Uncertain significance. Last evaluated: 2022-08-28. Review status: criteria provided, single submitter. Criteria: Invitae Variant Classification Sherloc (09022015). Collection method: clinical testing. Allele origin: germline.
Comment: This variant has not been reported in the literature in individuals affected with CCDC88A-related conditions. In summary, the available evidence is currently insufficient to determine the role of this variant in disease. Therefore, it has been classified as a Variant of Uncertain Significance. Algorithms developed to predict the effect of missense changes on protein structure and function are either unavailable or do not agree on the potential impact of this missense change (SIFT: "Tolerated"; PolyPhen-2: "Possibly Damaging"; Align-GVGD: "Class C0"). This variant is not present in population databases (gnomAD no frequency). This sequence change replaces isoleucine, which is neutral and non-polar, with valine, which is neutral and non-polar, at codon 1300 of the CCDC88A protein (p.Ile1300Val).

NM_001365480.1(CCDC88A):c.3901A>G (p.Ile1301Val)

Gene: CCDC88A (coiled-coil and HOOK domain protein 88A; minus strand). Cytogenetic location: 2p16.1.
Variant type: single nucleotide variant.
Coding change: c.3901A>G on transcript NM_001365480.1 (MANE Select); coding-DNA position 3901, A replaced by G.
Protein change: p.Ile1301Val; replaces isoleucine 1301 with valine.
Molecular consequence: missense variant.
Genome position (GRCh38, 1-based): chr2:55,315,960, T>C on the plus strand (A>G on the coding strand, the complement: CCDC88A is on the minus strand). VCF-style: chr2-55315960-T-C. GRCh37 (hg19) VCF-style: chr2-55543096-T-C.
Other names: c.3898A>G, p.Ile1300Val (NM_001135597.2, NM_001254943.2); c.3901A>G, p.Ile1301Val (NM_018084.5); short protein forms I1300V, I1301V.
Identifiers: ClinVar variation 1714925 (VCV001714925.5), dbSNP rs2544775505, ClinGen allele CA346889101.
Genomic context (GRCh38, chr2:55,315,960, plus strand): 5'-ACACAGTGATTAAACTTTTTAAGCTCACCTCACACTGGTTATTCAGCTTGGTTGATGTAA[T>C]ATCCAATTGTTGGTATTGTTCCTTTAGTTTTGAAAATTCAGCTTCTAATCTTGTTTGTTC-3'
Protein context (NP_001352409.1, residues 1291-1311): KLKEQYQQLD[Ile1301Val]TSTKLNNQCE